The following is an entry in ClinVar:

NM_000533.5(PLP1):c.95T>C (p.Phe32Ser)

Genes: PLP1 (proteolipid protein 1; plus strand), RAB9B (RAB9B, member RAS oncogene family; minus strand). Cytogenetic location: Xq22.2.
Variant type: single nucleotide variant.
Coding change: c.95T>C on transcript NM_000533.5 (MANE Select); coding-DNA position 95, T replaced by C.
Protein change: p.Phe32Ser; replaces phenylalanine 32 with serine.
Molecular consequence: missense variant. On other transcripts: intron variant (1).
Genome position (GRCh38, 1-based): chrX:103,785,672, T>C. VCF-style: chrX-103785672-T-C. GRCh37 (hg19) VCF-style: chrX-103040601-T-C.
Other names: c.95T>C, p.Phe32Ser (NM_001128834.3, NM_199478.3); c.5-75T>C (NM_001305004.1); short protein forms F32S.
Identifiers: ClinVar variation 2099569 (VCV002099569.4), dbSNP rs2522301339, ClinGen allele CA414102038.

ClinVar aggregate classification (germline): Uncertain significance (1 of 4 stars; one submission).

Conditions:
Hereditary spastic paraplegia 2 (SPG2). Also called: SPASTIC PARAPLEGIA 2, X-LINKED; Spastic Paraplegia 2 (SPG2). Identifiers: Orphanet 99015, MedGen C0751604, MONDO:0010733, OMIM 312920.

Submission:

Labcorp Genetics (formerly Invitae), Labcorp
Classification: Uncertain significance for Hereditary spastic paraplegia 2. Last evaluated: 2022-02-19. Review status: criteria provided, single submitter. Criteria: Invitae Variant Classification Sherloc (09022015). Collection method: clinical testing. Allele origin: germline.
Comment: In summary, the available evidence is currently insufficient to determine the role of this variant in disease. Therefore, it has been classified as a Variant of Uncertain Significance. This variant disrupts the p.Phe32 amino acid residue in PLP1. Other variant(s) that disrupt this residue have been observed in individuals with PLP1-related conditions (PMID: 9106132, 11093273, 29451896; Invitae), which suggests that this may be a clinically significant amino acid residue. Algorithms developed to predict the effect of missense changes on protein structure and function are either unavailable or do not agree on the potential impact of this missense change (SIFT: "Not Available"; PolyPhen-2: "Probably Damaging"; Align-GVGD: "Not Available"). This missense change has been observed in individual(s) with clinical features of Pelizaeus-Merzbacher disease (Invitae). This variant is not present in population databases (gnomAD no frequency). This sequence change replaces phenylalanine, which is neutral and non-polar, with serine, which is neutral and polar, at codon 32 of the PLP1 protein (p.Phe32Ser).

Literature cited by the submitters: PubMed 9106132; PubMed 11093273; PubMed 29451896.